The following is an entry in ClinVar:

ClinVar aggregate classification (germline): Uncertain significance. Review status: criteria provided, multiple submitters, no conflicts (2 of 4 stars). 2 submissions from 2 submitters: Uncertain significance (2). Last evaluated 2022-04-25.

Conditions:
Inborn genetic diseases. Identifiers: MedGen C0950123, MeSH D030342.
Glycogen storage disease, type VII (GSD7). Also called: GSD VII; MUSCLE PHOSPHOFRUCTOKINASE DEFICIENCY; TARUI DISEASE; PFKM DEFICIENCY. Identifiers: Orphanet 371, MedGen C0017926, MONDO:0009295, OMIM 232800.

Allele frequency attached by ClinVar (database versions not stated): ExAC 0.00002; TOPMed 0.00003; 1000 Genomes Project 30x 0.00016; 1000 Genomes Project 0.00020.
gnomAD v4.1: 19 of 1,609,956 alleles (0.0012%); highest among the groups gnomAD compares: East Asian, 0.029%; no homozygotes.

Submissions (2):

Labcorp Genetics (formerly Invitae), Labcorp
Classification: Uncertain significance for Glycogen storage disease, type VII. Last evaluated: 2022-04-25. Review status: criteria provided, single submitter. Criteria: Invitae Variant Classification Sherloc (09022015). Collection method: clinical testing. Allele origin: germline.
Comment: This sequence change replaces proline, which is neutral and non-polar, with serine, which is neutral and polar, at codon 393 of the PFKM protein (p.Pro393Ser). This variant is present in population databases (rs552947769, gnomAD 0.04%). This variant has not been reported in the literature in individuals affected with PFKM-related conditions. Algorithms developed to predict the effect of missense changes on protein structure and function (SIFT, PolyPhen-2, Align-GVGD) all suggest that this variant is likely to be tolerated. In summary, the available evidence is currently insufficient to determine the role of this variant in disease. Therefore, it has been classified as a Variant of Uncertain Significance.

Ambry Genetics
Classification: Uncertain significance for Inborn genetic diseases. Last evaluated: 2021-08-02. Review status: criteria provided, single submitter. Criteria: Ambry Variant Classification Scheme 2023. Collection method: clinical testing. Allele origin: germline.

NM_000289.6(PFKM):c.1177C>T (p.Pro393Ser)

Gene: PFKM (phosphofructokinase, muscle; plus strand). Cytogenetic location: 12q13.11.
Variant type: single nucleotide variant.
Coding change: c.1177C>T on transcript NM_000289.6 (MANE Select); coding-DNA position 1177, C replaced by T.
Protein change: p.Pro393Ser; replaces proline 393 with serine.
Molecular consequence: missense variant. On other transcripts: non-coding transcript variant (6).
Genome position (GRCh38, 1-based): chr12:48,139,898, C>T. VCF-style: chr12-48139898-C-T. GRCh37 (hg19) VCF-style: chr12-48533681-C-T.
Other names: c.1177C>T (NM_000289.5); c.1390C>T, p.Pro464Ser (NM_001166686.2, NM_001354737.1, NM_001354738.1 and 1 more transcripts); c.1177C>T, p.Pro393Ser (NM_001166687.2, NM_001166688.2, NM_001354742.2 and 2 more transcripts); c.1486C>T, p.Pro496Ser (NM_001354735.1, NM_001354736.1); c.1321C>T, p.Pro441Ser (NM_001354740.1); c.1201C>T, p.Pro401Ser (NM_001354741.2); c.1090C>T, p.Pro364Ser (NM_001354745.2); c.1051C>T, p.Pro351Ser (NM_001354746.2); and 2 more; short protein forms P364S, P441S, P464S, P343S, P351S, P401S, P393S, P496S.
Identifiers: ClinVar variation 2147760 (VCV002147760.2), dbSNP rs552947769, ClinGen allele CA6537251.